The following is an entry in ClinVar:

NM_018089.3(ANKZF1):c.2063G>A (p.Cys688Tyr)

Gene: ANKZF1 (ankyrin repeat and zinc finger peptidyl tRNA hydrolase 1; plus strand). Cytogenetic location: 2q35.
Variant type: single nucleotide variant.
Coding change: c.2063G>A on transcript NM_018089.3 (MANE Select); coding-DNA position 2063, G replaced by A.
Protein change: p.Cys688Tyr; replaces cysteine 688 with tyrosine.
Molecular consequence: missense variant.
Genome position (GRCh38, 1-based): chr2:219,236,327, G>A. VCF-style: chr2-219236327-G-A. GRCh37 (hg19) VCF-style: chr2-220101049-G-A.
Other names: c.2063G>A, p.Cys688Tyr (NM_001042410.2); c.1433G>A, p.Cys478Tyr (NM_001282792.2); short protein forms C688Y, C478Y.
Identifiers: ClinVar variation 3687654 (VCV003687654.2).

ClinVar aggregate classification (germline): Uncertain significance (1 of 4 stars; one submission).

gnomAD v4.1: 1 of 1,613,940 alleles (0.000062%); highest among the groups gnomAD compares: Non-Finnish European, 0.000085%; no homozygotes.

Submission:

Labcorp Genetics (formerly Invitae), Labcorp
Classification: Uncertain significance. Last evaluated: 2024-04-12. Review status: criteria provided, single submitter. Criteria: Invitae Variant Classification Sherloc (09022015). Collection method: clinical testing. Allele origin: germline.
Comment: This sequence change replaces cysteine, which is neutral and slightly polar, with tyrosine, which is neutral and polar, at codon 688 of the ANKZF1 protein (p.Cys688Tyr). This variant is not present in population databases (gnomAD no frequency). This variant has not been reported in the literature in individuals affected with ANKZF1-related conditions. An algorithm developed to predict the effect of missense changes on protein structure and function (PolyPhen-2) suggests that this variant is likely to be disruptive. In summary, the available evidence is currently insufficient to determine the role of this variant in disease. Therefore, it has been classified as a Variant of Uncertain Significance.